The following is an entry in ClinVar:

ClinVar aggregate classification (germline): Uncertain significance (1 of 4 stars; one submission).

Conditions:
Hereditary spastic paraplegia 56. Also called: SPASTIC PARAPLEGIA 56, AUTOSOMAL RECESSIVE, WITH OR WITHOUT PSEUDOXANTHOMA ELASTICUM; Spastic paraplegia 56, autosomal recessive; Spastic Paraplegia 56. Identifiers: Orphanet 320411, MedGen C3539507, MONDO:0014015, OMIM 615030.

Submission:

3billion
Classification: Uncertain significance for Hereditary spastic paraplegia 56. Last evaluated: 2024-07-22. Review status: criteria provided, single submitter. Criteria: ACMG Guidelines, 2015. Collection method: clinical testing. Allele origin: germline. Affected: yes.
Comment: The variant is not observed in the gnomAD v4.0.0 dataset. Predicted Consequence/Location: Missense variant In silico tool predictions suggest damaging effect of the variant on gene or gene product [3Cnet: 0.70 (>=0.6, sensitivity 0.72 and precision 0.9)]. The variant has been reported as of uncertain significance (ClinVar ID: VCV001321252). Therefore, this variant is classified as VUS according to the recommendation of ACMG/AMP guideline.

NM_183075.3(CYP2U1):c.1459A>G (p.Lys487Glu)

Gene: CYP2U1 (cytochrome P450 family 2 subfamily U member 1; plus strand). Cytogenetic location: 4q25.
Variant type: single nucleotide variant.
Coding change: c.1459A>G on transcript NM_183075.3 (MANE Select); coding-DNA position 1459, A replaced by G.
Protein change: p.Lys487Glu; replaces lysine 487 with glutamic acid.
Molecular consequence: missense variant.
Genome position (GRCh38, 1-based): chr4:107,950,247, A>G. VCF-style: chr4-107950247-A-G. GRCh37 (hg19) VCF-style: chr4-108871403-A-G.
Other names: short protein forms K487E.
Identifiers: ClinVar variation 1321252 (VCV001321252.2), dbSNP rs2126203302, ClinGen allele CA357839419.